The following is an entry in ClinVar:

ClinVar aggregate classification (germline): Uncertain significance (1 of 4 stars; one submission).

Allele frequency attached by ClinVar (database versions not stated): TOPMed 0.00002.

Submission:

Labcorp Genetics (formerly Invitae), Labcorp
Classification: Uncertain significance. Last evaluated: 2023-03-24. Review status: criteria provided, single submitter. Criteria: Invitae Variant Classification Sherloc (09022015). Collection method: clinical testing. Allele origin: germline.
Comment: In summary, the available evidence is currently insufficient to determine the role of this variant in disease. Therefore, it has been classified as a Variant of Uncertain Significance. This sequence change replaces serine, which is neutral and polar, with alanine, which is neutral and non-polar, at codon 1028 of the ASXL1 protein (p.Ser1028Ala). This variant is not present in population databases (gnomAD no frequency). This variant has not been reported in the literature in individuals affected with ASXL1-related conditions. An algorithm developed to predict the effect of missense changes on protein structure and function (PolyPhen-2) suggests that this variant is likely to be tolerated.

NM_015338.6(ASXL1):c.3082T>G (p.Ser1028Ala)

Gene: ASXL1 (ASXL transcriptional regulator 1; plus strand). Cytogenetic location: 20q11.21.
Variant type: single nucleotide variant.
Coding change: c.3082T>G on transcript NM_015338.6 (MANE Select); coding-DNA position 3082, T replaced by G.
Protein change: p.Ser1028Ala; replaces serine 1028 with alanine.
Molecular consequence: missense variant.
Genome position (GRCh38, 1-based): chr20:32,435,794, T>G. VCF-style: chr20-32435794-T-G. GRCh37 (hg19) VCF-style: chr20-31023597-T-G.
Other names: c.2899T>G, p.Ser967Ala (NM_001363734.1); short protein forms S967A, S1028A.
Identifiers: ClinVar variation 2972506 (VCV002972506.3), dbSNP rs1046578139, ClinGen allele CA313926337.
Genomic context (GRCh38, chr20:32,435,794, plus strand): 5'-CACCTCACGGAGGACAGCAGTGAGGCTGACACTAGAGAAGCTGCAGTGACAAAGGGATCT[T>G]CGGTGGACAAGGATGAGAAACCCAATTGGAACCAATCTGCCCCACTGTCCAAGGTGAATG-3'
Protein context (NP_056153.2, residues 1018-1038): TREAAVTKGS[Ser1028Ala]VDKDEKPNWN